The following is an entry in ClinVar:

NM_005902.4(SMAD3):c.323T>G (p.Leu108Arg)

Gene: SMAD3 (SMAD family member 3; plus strand). Cytogenetic location: 15q22.33.
Variant type: single nucleotide variant.
Coding change: c.323T>G on transcript NM_005902.4 (MANE Select); coding-DNA position 323, T replaced by G.
Protein change: p.Leu108Arg; replaces leucine 108 with arginine.
Molecular consequence: missense variant.
Genome position (GRCh38, 1-based): chr15:67,165,011, T>G. VCF-style: chr15-67165011-T-G. GRCh37 (hg19) VCF-style: chr15-67457349-T-G.
Other names: c.8T>G, p.Leu3Arg (NM_001145102.2); c.191T>G, p.Leu64Arg (NM_001145103.2); short protein forms L3R, L64R, L108R.
Identifiers: ClinVar variation 852522 (VCV000852522.11), dbSNP rs1962538901, ClinGen allele CA392954030.

ClinVar aggregate classification (germline): Conflicting classifications of pathogenicity. Review status: criteria provided, conflicting classifications (1 of 4 stars). 5 submissions from 5 submitters: Uncertain significance (4); Likely benign (1). Last evaluated 2025-01-13.

Conditions:
Familial thoracic aortic aneurysm and aortic dissection (TAAD). Also called: Thoracic aortic aneurysms and dissections. Identifiers: Orphanet 91387, MedGen C4707243, MONDO:0019625.
Aneurysm-osteoarthritis syndrome. Also called: LOEYS-DIETZ SYNDROME WITH OSTEOARTHRITIS; SMAD3-Related Loeys-Dietz Syndrome; ANEURYSMS-OSTEOARTHRITIS SYNDROME; Loeys-Dietz syndrome, type 1C. Identifiers: Orphanet 284984, MedGen C3151087, MONDO:0013426, OMIM 613795.

Allele frequency attached by ClinVar (database versions not stated): gnomAD exomes 0.00001.
gnomAD v4.1: 3 of 1,614,166 alleles (0.00019%); highest among the groups gnomAD compares: Non-Finnish European, 0.00025%; no homozygotes.

Submissions (5):

Color Diagnostics, LLC DBA Color Health
Classification: Likely benign for Familial thoracic aortic aneurysm and aortic dissection. Last evaluated: 2025-01-13. Review status: criteria provided, single submitter. Criteria: ACMG Guidelines, 2015. Collection method: clinical testing. Allele origin: germline.

Women's Health and Genetics/Laboratory Corporation of America, LabCorp
Classification: Uncertain significance. Last evaluated: 2024-02-04. Review status: criteria provided, single submitter. Criteria: LabCorp Variant Classification Summary - May 2015. Collection method: clinical testing. Allele origin: germline.

All of Us Research Program, National Institutes of Health
Classification: Uncertain significance for Aneurysm-osteoarthritis syndrome. Last evaluated: 2023-11-02. Review status: criteria provided, single submitter. Criteria: ACMG Guidelines, 2015. Collection method: clinical testing. Allele origin: germline. Inheritance: Autosomal dominant inheritance. Observed: 1 variant allele, 1 heterozygote.
Comment: This missense variant replaces leucine with arginine at codon 108 of the SMAD3 protein. Computational prediction suggests that this variant may not impact protein structure and function (internally defined REVEL score threshold <= 0.5, PMID: 27666373). To our knowledge, functional studies have not been reported for this variant. This variant has not been reported in individuals affected with SMAD3-related disorders in the literature. This variant has not been identified in the general population by the Genome Aggregation Database (gnomAD). The available evidence is insufficient to determine the role of this variant in disease conclusively. Therefore, this variant is classified as a Variant of Uncertain Significance.

This study involves interpretation of variants in research participants for the purpose of population health screening. Participant phenotype was not available at the time of variant classification. Additional details can be found in publication PMID: 35346344, PMCID: PMC8962531

Ambry Genetics
Classification: Uncertain significance for Familial thoracic aortic aneurysm and aortic dissection. Last evaluated: 2021-09-10. Review status: criteria provided, single submitter. Criteria: Ambry Variant Classification Scheme 2023. Collection method: clinical testing. Allele origin: germline.
Comment: The p.L108R variant (also known as c.323T>G), located in coding exon 2 of the SMAD3 gene, results from a T to G substitution at nucleotide position 323. The leucine at codon 108 is replaced by arginine, an amino acid with dissimilar properties. This amino acid position is conserved. In addition, this alteration is predicted to be tolerated by in silico analysis. Since supporting evidence is limited at this time, the clinical significance of this alteration remains unclear.

Labcorp Genetics (formerly Invitae), Labcorp
Classification: Uncertain significance for Familial thoracic aortic aneurysm and aortic dissection. Last evaluated: 2021-08-27. Review status: criteria provided, single submitter. Criteria: Invitae Variant Classification Sherloc (09022015). Collection method: clinical testing. Allele origin: germline.
Comment: This sequence change replaces leucine with arginine at codon 108 of the SMAD3 protein (p.Leu108Arg). The leucine residue is moderately conserved and there is a moderate physicochemical difference between leucine and arginine. This variant is not present in population databases (ExAC no frequency). This variant has not been reported in the literature in individuals affected with SMAD3-related conditions. Algorithms developed to predict the effect of missense changes on protein structure and function (SIFT, PolyPhen-2, Align-GVGD) all suggest that this variant is likely to be tolerated. In summary, the available evidence is currently insufficient to determine the role of this variant in disease. Therefore, it has been classified as a Variant of Uncertain Significance.